The following is an entry in ClinVar:

NM_006593.4(TBR1):c.1308C>A (p.Phe436Leu)

Gene: TBR1 (T-box brain transcription factor 1; plus strand). Cytogenetic location: 2q24.2.
Variant type: single nucleotide variant.
Coding change: c.1308C>A on transcript NM_006593.4 (MANE Select); coding-DNA position 1308, C replaced by A.
Protein change: p.Phe436Leu; replaces phenylalanine 436 with leucine.
Molecular consequence: missense variant.
Genome position (GRCh38, 1-based): chr2:161,423,486, C>A. VCF-style: chr2-161423486-C-A. GRCh37 (hg19) VCF-style: chr2-162279997-C-A.
Other names: short protein forms F436L.
Identifiers: ClinVar variation 3390460 (VCV003390460.1).
Genomic context (GRCh38, chr2:161,423,486, plus strand): 5'-CTCGCAGATCGTGCCCGGGGCCCGCTACGCCATGGCCGGCTCTTTCCTGCAGGACCAGTT[C>A]GTGAGCAACTACGCCAAGGCCCGCTTCCACCCGGGCGCGGGCGCGGGCCCCGGGCCGGGT-3'
Protein context (NP_006584.1, residues 426-446): AMAGSFLQDQ[Phe436Leu]VSNYAKARFH

ClinVar aggregate classification (germline): Uncertain significance (1 of 4 stars; one submission).

Submission:

GeneDx
Classification: Uncertain significance. Last evaluated: 2024-06-11. Review status: criteria provided, single submitter. Criteria: GeneDx Variant Classification Process June 2021. Collection method: clinical testing. Allele origin: germline. Affected: yes.
Comment: Not observed at significant frequency in large population cohorts (gnomAD); In silico analysis supports that this missense variant has a deleterious effect on protein structure/function; Has not been previously published as pathogenic or benign to our knowledge